The following is an entry in ClinVar:

ClinVar aggregate classification (germline): Benign/Likely benign. Review status: criteria provided, multiple submitters, no conflicts (2 of 4 stars). 17 submissions from 15 submitters: Benign (10); Likely benign (5). 2 of the submissions do not count toward it. Last evaluated 2026-02-03.

Conditions:
Generalized epilepsy with febrile seizures plus, type 7 (GEFSP7). Also called: GEFS+, TYPE 7. Identifiers: Orphanet 36387, MedGen C2751778, MONDO:0013470, OMIM 613863.
Neuropathy, hereditary sensory and autonomic, type 2A (HSAN2A). Also called: NEUROPATHY, CONGENITAL SENSORY; NEUROPATHY, HEREDITARY SENSORY RADICULAR, AUTOSOMAL RECESSIVE; NEUROPATHY, HEREDITARY SENSORY, TYPE IIA; NEUROPATHY, PROGRESSIVE SENSORY, OF CHILDREN; WNK1-Related HSAN2 (HSAN2A); ACROOSTEOLYSIS, GIACCAI TYPE. Identifiers: Orphanet 970, MedGen C2752089, MONDO:0024309, OMIM 201300.
Autism spectrum disorder. Also called: Autism spectrum disorders. Identifiers: MedGen C1510586, MeSH D000067877, MONDO:0005258.
Primary erythromelalgia. Also called: SCN9A Erythromelalgia (SCN9A-EM); primary erythermalgia. Identifiers: Orphanet 306577, Orphanet 90026, MedGen C0014805, MONDO:0007571, OMIM 133020.
Channelopathy-associated congenital insensitivity to pain, autosomal recessive. Also called: ASYMBOLIA FOR PAIN; CONGENITAL ANALGESIA, AUTOSOMAL RECESSIVE; Insensitivity to pain, channelopathy-associated. Identifiers: Orphanet 88642, Orphanet 970, MedGen C1855739, MONDO:0009459, OMIM 243000.
Paroxysmal extreme pain disorder (PEXPD). Also called: PAIN, SUBMANDIBULAR, OCULAR, AND RECTAL, WITH FLUSHING; RECTAL PAIN, FAMILIAL; SCN9A Paroxysmal Extreme Pain Disorder (SCN9A-PEPD). Identifiers: Orphanet 46348, MedGen C1833661, MONDO:0008179, OMIM 167400.

Allele frequency attached by ClinVar (database versions not stated): 1000 Genomes Project 0.03335; ESP Exome Variant Server 0.00338; gnomAD 0.01480 and 0.01339; 1000 Genomes Project 30x 0.03435; TOPMed 0.02355; ExAC 0.02949; gnomAD exomes 0.03682.
gnomAD v4.1: 17,352 of 1,613,876 alleles (1.1%); highest among the groups gnomAD compares: Admixed American, 17%; 1,236 homozygotes.

Submissions (17):

Labcorp Genetics (formerly Invitae), Labcorp
Classification: Benign for Neuropathy, hereditary sensory and autonomic, type 2A; Generalized epilepsy with febrile seizures plus, type 7. Last evaluated: 2026-02-03. Review status: criteria provided, single submitter. Criteria: Invitae Variant Classification Sherloc (09022015). Collection method: clinical testing. Allele origin: germline.

ARUP Laboratories, Molecular Genetics and Genomics, ARUP Laboratories
Classification: Benign. Last evaluated: 2025-07-01. Review status: criteria provided, single submitter. Criteria: ARUP Molecular Germline Variant Investigation Process 2024. Collection method: clinical testing. Allele origin: germline.

Blueprint Genetics
Classification: Likely benign. Last evaluated: 2024-11-26. Review status: criteria provided, single submitter. Criteria: ACMG Guidelines, 2015. Collection method: clinical testing. Allele origin: germline.

Unidad de Genómica Garrahan, Hospital de Pediatría Garrahan
Classification: Benign. Last evaluated: 2024-07-15. Review status: criteria provided, single submitter. Criteria: ACMG Guidelines, 2015. Collection method: clinical testing. Allele origin: germline. Affected: no. Observed: 22 variant alleles.
Comment: This variant is classified as Benign based on local population frequency. This variant was detected in 24% of patients studied in a panel designed for Epileptic and Developmental Encephalopathy and Progressive Myoclonus Epilepsy. Number of patients: 22. Only high quality variants are reported.

Mendelics
Classification: Likely benign for Neuropathy, hereditary sensory and autonomic, type 2A. Last evaluated: 2019-05-28. Review status: criteria provided, single submitter. Criteria: Mendelics Assertion Criteria 2017. Collection method: clinical testing. Allele origin: unknown.

Athena Diagnostics
Classification: Benign. Last evaluated: 2018-12-07. Review status: criteria provided, single submitter. Criteria: Athena Diagnostics Criteria. Collection method: clinical testing. Allele origin: germline.

GeneDx
Classification: Benign. Last evaluated: 2018-11-21. Review status: criteria provided, single submitter. Criteria: GeneDx Variant Classification Process June 2021. Collection method: clinical testing. Allele origin: germline. Affected: yes.
Comment: This variant is associated with the following publications: (PMID: 27956748, 23895530, 25585270, 22803682, 25556685, 25250524, 21698661, 26284228, 27535533, 21939494, 23450472)

Illumina Laboratory Services, Illumina
Classification: Benign for Channelopathy-associated congenital insensitivity to pain, autosomal recessive. Last evaluated: 2018-03-06. Review status: criteria provided, single submitter. Criteria: ICSL Variant Classification Criteria 13 December 2019. Collection method: clinical testing. Allele origin: germline.
Comment: This variant was observed in the ICSL laboratory as part of a predisposition screen in an ostensibly healthy population. It had not been previously curated by ICSL or reported in the Human Gene Mutation Database (HGMD: prior to June 1st, 2018), and was therefore a candidate for classification through an automated scoring system. Utilizing variant allele frequency, disease prevalence and penetrance estimates, and inheritance mode, an automated score was calculated to assess if this variant is too frequent to cause the disease. Based on the score and internal cut-off values, a variant classified as benign is not then subjected to further curation. The score for this variant resulted in a classification of benign for this disease.

Illumina Laboratory Services, Illumina
Classification: Benign for Paroxysmal extreme pain disorder. Last evaluated: 2018-03-06. Review status: criteria provided, single submitter. Criteria: ICSL Variant Classification Criteria 13 December 2019. Collection method: clinical testing. Allele origin: germline.
Comment: the same text as in the submission from Illumina Laboratory Services, Illumina above.

Illumina Laboratory Services, Illumina
Classification: Benign for Primary erythromelalgia. Last evaluated: 2018-03-06. Review status: criteria provided, single submitter. Criteria: ICSL Variant Classification Criteria 13 December 2019. Collection method: clinical testing. Allele origin: germline.
Comment: the same text as in the submission from Illumina Laboratory Services, Illumina above.

Mayo Clinic Laboratories, Mayo Clinic
Classification: Benign. Last evaluated: 2016-04-22. Review status: criteria provided, single submitter. Criteria: ACMG Guidelines, 2015. Collection method: clinical testing. Allele origin: germline. Observed: 60 variant alleles.

Eurofins Ntd Llc (ga)
Classification: Benign. Last evaluated: 2013-09-25. Review status: criteria provided, single submitter. Criteria: EGL Classification Definitions 2015. Collection method: clinical testing. Allele origin: germline. Observed: 2 variant alleles, 2 heterozygotes.

Breakthrough Genomics
Classification: Likely benign. Review status: criteria provided, single submitter. Criteria: ACMG Guidelines, 2015. Collection method: not provided. Allele origin: germline. Inheritance: Autosomal recessive inheritance. Affected: yes.

Broad Center for Mendelian Genomics, Broad Institute of MIT and Harvard
Classification: Likely benign for Channelopathy-associated congenital insensitivity to pain, autosomal recessive. Review status: criteria provided, single submitter. Criteria: ACMG Guidelines, 2015. Collection method: research. Allele origin: germline. Inheritance: Autosomal recessive inheritance. Affected: yes.
Comment: The p.Met932Leu variant in SCN9A has been identified in at least 2 Chinese individuals with partial congenital indifference to pain (PMID: 21939494). This variant is classified as likely benign for partial congenital indifference to pain because it has been identified in >23% of Latino chromosomes and 387 total homozygotes by ExAC.

PreventionGenetics, part of Exact Sciences
Classification: Likely benign. Review status: criteria provided, single submitter. Criteria: ACMG Guidelines, 2015. Collection method: clinical testing. Allele origin: germline.

Gene Friend Way, National Innovation Center
Classification: Uncertain risk allele for Autism spectrum disorder. Last evaluated: 2023-07-28. Review status: no assertion criteria provided. Collection method: clinical testing. Allele origin: unknown. Affected: yes and no. Observed: 21 variant alleles. Not counted in ClinVar's aggregate classification.
Comment: Likely benign based on allele frequency in 1000 Genomes Project or ESP global frequency and its presence in a patient with a rare or unrelated disease phenotype. This variant and other mutations in SCN9A have been found in patients with familial autism (PMID: 27956748). In our study, about 10% of patients diagnosed with ASD carry this SCN9A variant.

Genetic Services Laboratory, University of Chicago
Classification: Likely benign for AllHighlyPenetrant. Review status: no assertion criteria provided. Collection method: clinical testing. Allele origin: germline. Inheritance: Autosomal dominant inheritance. Not counted in ClinVar's aggregate classification.
Comment: Likely benign based on allele frequency in 1000 Genomes Project or ESP global frequency and its presence in a patient with a rare or unrelated disease phenotype. NOT Sanger confirmed.

Literature cited by the submitters: PubMed 23450472 (cited by Athena Diagnostics); PubMed 21939494 (cited by Athena Diagnostics); PubMed 21698661 (cited by Athena Diagnostics).

NM_001365536.1(SCN9A):c.2827A>C (p.Met943Leu)

Genes: SCN1A-AS1 (SCN1A and SCN9A antisense RNA 1; plus strand), SCN9A (sodium voltage-gated channel alpha subunit 9; minus strand). Cytogenetic location: 2q24.3.
Variant type: single nucleotide variant.
Coding change: c.2827A>C on transcript NM_001365536.1 (MANE Select); coding-DNA position 2827, A replaced by C.
Protein change: p.Met943Leu; replaces methionine 943 with leucine.
Molecular consequence: missense variant.
Genome position (GRCh38, 1-based): chr2:166,277,030, T>G on the plus strand (A>C on the coding strand, the complement: SCN9A is on the minus strand). VCF-style: chr2-166277030-T-G. GRCh37 (hg19) VCF-style: chr2-167133540-T-G.
Other names: M932L; c.2794A>C, p.Met932Leu (NM_002977.4); short protein forms M943L.
Identifiers: ClinVar variation 94089 (VCV000094089.44), dbSNP rs12478318, ClinGen allele CA147603.
Genomic context (GRCh38, chr2:166,277,030, plus strand): 5'-TCTGGTTACATACCACCAGGTTTCCAATGACCATGACCATCATGTAAACAATAAGGCACA[T>G]AGCTTGACCAGCGACCTCCATACAGTCCCACATGGTCTCTATCCACTCTCCACACAGCAC-3'
Protein context (NP_001352465.1, residues 933-953): WDCMEVAGQA[Met943Leu]CLIVYMMVMV